The following is an entry in ClinVar:

ClinVar aggregate classification (germline): Likely benign (1 of 4 stars; one submission).

Allele frequency attached by ClinVar (database versions not stated): ESP Exome Variant Server 0.00031; TOPMed 0.00050; gnomAD 0.00051; ExAC 0.00058.
gnomAD v4.1: 966 of 1,613,946 alleles (0.06%); highest among the groups gnomAD compares: South Asian, 0.17%; 5 homozygotes.

Submission:

CeGaT Center for Human Genetics Tuebingen
Classification: Likely benign. Last evaluated: 2024-03-01. Review status: criteria provided, single submitter. Criteria: CeGaT Center For Human Genetics Tuebingen Variant Classification Criteria Version 2. Collection method: clinical testing. Allele origin: germline. Affected: yes. Observed: 1 variant allele.
Comment: AXIN1: BP4

NM_003502.4(AXIN1):c.833C>T (p.Pro278Leu)

Gene: AXIN1 (axin 1; minus strand). Cytogenetic location: 16p13.3.
Variant type: single nucleotide variant.
Coding change: c.833C>T on transcript NM_003502.4 (MANE Select); coding-DNA position 833, C replaced by T.
Protein change: p.Pro278Leu; replaces proline 278 with leucine.
Molecular consequence: missense variant. On other transcripts: non-coding transcript variant (1).
Genome position (GRCh38, 1-based): chr16:346,193, G>A on the plus strand (C>T on the coding strand, the complement: AXIN1 is on the minus strand). VCF-style: chr16-346193-G-A. GRCh37 (hg19) VCF-style: chr16-396193-G-A.
Other names: c.833C>T, p.Pro278Leu (NM_181050.3); short protein forms P278L.
Identifiers: ClinVar variation 3067213 (VCV003067213.21), dbSNP rs147515329, ClinGen allele CA7774433.